The following is an entry in ClinVar:

NM_002361.4(MAG):c.785G>A (p.Gly262Glu)

Gene: MAG (myelin associated glycoprotein; plus strand). Cytogenetic location: 19q13.12.
Variant type: single nucleotide variant.
Coding change: c.785G>A on transcript NM_002361.4 (MANE Select); coding-DNA position 785, G replaced by A.
Protein change: p.Gly262Glu; replaces glycine 262 with glutamic acid.
Molecular consequence: missense variant.
Genome position (GRCh38, 1-based): chr19:35,300,219, G>A. VCF-style: chr19-35300219-G-A. GRCh37 (hg19) VCF-style: chr19-35791122-G-A.
Other names: c.710G>A, p.Gly237Glu (NM_001199216.2); c.785G>A, p.Gly262Glu (NM_080600.3); short protein forms G237E, G262E.
Identifiers: ClinVar variation 1965854 (VCV001965854.5), dbSNP rs2513583700, ClinGen allele CA405310451.

ClinVar aggregate classification (germline): Uncertain significance (1 of 4 stars; one submission).

Conditions:
Hereditary spastic paraplegia 75. Also called: Spastic paraplegia 75, autosomal recessive. Identifiers: Orphanet 459056, MedGen C4225250, MONDO:0014729, OMIM 616680.

Allele frequency attached by ClinVar (database versions not stated): gnomAD exomes below 0.00001.
gnomAD v4.1: 2 of 1,585,778 alleles (0.00013%); highest among the groups gnomAD compares: Non-Finnish European, 0.00017%; no homozygotes.

Submission:

Labcorp Genetics (formerly Invitae), Labcorp
Classification: Uncertain significance for Hereditary spastic paraplegia 75. Last evaluated: 2022-06-29. Review status: criteria provided, single submitter. Criteria: Invitae Variant Classification Sherloc (09022015). Collection method: clinical testing. Allele origin: germline.
Comment: This variant has not been reported in the literature in individuals affected with MAG-related conditions. In summary, the available evidence is currently insufficient to determine the role of this variant in disease. Therefore, it has been classified as a Variant of Uncertain Significance. Algorithms developed to predict the effect of missense changes on protein structure and function (SIFT, PolyPhen-2, Align-GVGD) all suggest that this variant is likely to be tolerated. This variant is not present in population databases (gnomAD no frequency). This sequence change replaces glycine, which is neutral and non-polar, with glutamic acid, which is acidic and polar, at codon 262 of the MAG protein (p.Gly262Glu).